The following is an entry in ClinVar:

ClinVar aggregate classification (germline): Uncertain significance (1 of 4 stars; one submission).

Allele frequency attached by ClinVar (database versions not stated): gnomAD 0.00001; gnomAD exomes 0.00001; TOPMed 0.00002; ExAC 0.00004.
gnomAD v4.1: 18 of 1,572,660 alleles (0.0011%); highest among the groups gnomAD compares: African/African-American, 0.0027%; no homozygotes.

Submission:

Labcorp Genetics (formerly Invitae), Labcorp
Classification: Uncertain significance. Last evaluated: 2025-09-10. Review status: criteria provided, single submitter. Criteria: Invitae Variant Classification Sherloc (09022015). Collection method: clinical testing. Allele origin: germline.
Comment: This sequence change replaces aspartic acid, which is acidic and polar, with valine, which is neutral and non-polar, at codon 305 of the PLEKHM2 protein (p.Asp305Val). This variant is present in population databases (rs758071508, gnomAD 0.001%). This variant has not been reported in the literature in individuals affected with PLEKHM2-related conditions. ClinVar contains an entry for this variant (Variation ID: 1042491). An algorithm developed to predict the effect of missense changes on protein structure and function (PolyPhen-2) suggests that this variant is likely to be tolerated. In summary, the available evidence is currently insufficient to determine the role of this variant in disease. Therefore, it has been classified as a Variant of Uncertain Significance.

NM_015164.4(PLEKHM2):c.914A>T (p.Asp305Val)

Gene: PLEKHM2 (pleckstrin homology and RUN domain containing M2; plus strand). Cytogenetic location: 1p36.21.
Variant type: single nucleotide variant.
Coding change: c.914A>T on transcript NM_015164.4 (MANE Select); coding-DNA position 914, A replaced by T.
Protein change: p.Asp305Val; replaces aspartic acid 305 with valine.
Molecular consequence: missense variant.
Genome position (GRCh38, 1-based): chr1:15,725,518, A>T. VCF-style: chr1-15725518-A-T. GRCh37 (hg19) VCF-style: chr1-16052013-A-T.
Other names: short protein forms D305V.
Identifiers: ClinVar variation 1042491 (VCV001042491.8), dbSNP rs758071508, ClinGen allele CA616800.